The following is an entry in ClinVar:

ClinVar aggregate classification (germline): Likely pathogenic (1 of 4 stars; one submission).

Conditions:
Inborn genetic diseases. Identifiers: MedGen C0950123, MeSH D030342.

Submission:

Ambry Genetics
Classification: Likely pathogenic for Inborn genetic diseases. Last evaluated: 2014-07-08. Review status: criteria provided, single submitter. Criteria: Ambry General Variant Classification Scheme_2022. Collection method: clinical testing. Allele origin: germline. Observed: 1 variant allele.
Comment: The c.521A>G (p.Q174R) alteration is located in exon 2 (coding exon 1) of the NTF4 gene. This alteration results from a A to G substitution at nucleotide position 521, causing the glutamine (Q) at amino acid position 174 to be replaced by an arginine (R). Based on data from the NHLBI Exome Sequencing Project (ESP), the NTF4 c.521A>G alteration was not observed among 6,493 individuals tested (0.0%). Allele frequency data for this nucleotide position are not currently available from the 1000 Genomes Project and the alteration is not currently listed in the Database of Single Nucleotide Polymorphisms (dbSNP). Though some variants may appear to be rare due to database-specific ethnic underrepresentation, rare missense alleles commonly exhibit a deleterious effect on protein function (Kryukov, 2007; Tennessen, 2012). IF USED, PULL THESE INTO REFERENCES: Kryukov GV, et al. (2007) Am J Hum Genet 80:727-739. Tennessen JA, et al. (2012) Science 337(64):64-69. The Q174 amino acid position is highly conserved in available vertebrate species. This alteration is predicted to be probably damaging and deleterious by PolyPhen and SIFT in silico analyses, respectively. Based on the available evidence, this alteration is classified as likely pathogenic.

NM_006179.5(NTF4):c.521A>G (p.Gln174Arg)

Gene: NTF4 (neurotrophin 4; minus strand). Cytogenetic location: 19q13.33.
Variant type: single nucleotide variant.
Coding change: c.521A>G on transcript NM_006179.5 (MANE Select); coding-DNA position 521, A replaced by G.
Protein change: p.Gln174Arg; replaces glutamine 174 with arginine.
Molecular consequence: missense variant.
Genome position (GRCh38, 1-based): chr19:49,061,477, T>C on the plus strand (A>G on the coding strand, the complement: NTF4 is on the minus strand). VCF-style: chr19-49061477-T-C. GRCh37 (hg19) VCF-style: chr19-49564734-T-C.
Other names: c.521A>G, p.Gln174Arg (NM_001395489.1); short protein forms Q174R.
Identifiers: ClinVar variation 208763 (VCV000208763.5), dbSNP rs797044939, ClinGen allele CA204846.